The following is an entry in ClinVar:

NM_000562.3(C8A):c.1270C>T (p.Arg424Ter)

Gene: C8A (complement C8 alpha chain; plus strand). Cytogenetic location: 1p32.2.
Variant type: single nucleotide variant.
Coding change: c.1270C>T on transcript NM_000562.3 (MANE Select); coding-DNA position 1270, C replaced by T.
Protein change: p.Arg424Ter; replaces arginine 424 with a stop codon.
Molecular consequence: nonsense.
Genome position (GRCh38, 1-based): chr1:56,908,003, C>T. VCF-style: chr1-56908003-C-T. GRCh37 (hg19) VCF-style: chr1-57373676-C-T.
Other names: C8A, ARG394TER; R394*; short protein forms R424*.
Identifiers: ClinVar variation 1023205 (VCV001023205.7), dbSNP rs140856114, ClinGen allele CA875317.
Genomic context (GRCh38, chr1:56,908,003, plus strand): 5'-CTCTTGATGGCAGAAAGGGCCAGGAAGGCCATGGCTGTGGAAGACATTATTTCTCGGGTG[C>T]GAGGTGGCAGTTCTGGCTGGAGCGGTGGCTTGGCACAGAACAGGAGCACCATTACATACC-3'

ClinVar aggregate classification (germline): Pathogenic. Review status: criteria provided, multiple submitters, no conflicts (2 of 4 stars). 3 submissions from 3 submitters: Pathogenic (2). 1 of the submissions does not count toward it. Last evaluated 2025-09-10.

Conditions:
Type I complement component 8 deficiency. Also called: COMPLEMENT C8 DEFICIENCY, TYPE I; C8AG DEFICIENCY; C8 ALPHA-GAMMA DEFICIENCY. Identifiers: MedGen C3151081, MONDO:0013422, OMIM 613790.

Allele frequency attached by ClinVar (database versions not stated): ExAC 0.00007; ESP Exome Variant Server 0.00008; gnomAD 0.00013 and 0.00014; TOPMed 0.00012.
gnomAD v4.1: 36 of 1,613,988 alleles (0.0022%); highest among the groups gnomAD compares: African/African-American, 0.029%; no homozygotes.

Submissions (3):

Genomic Medicine Center of Excellence, King Faisal Specialist Hospital and Research Centre
Classification: Pathogenic for Type I complement component 8 deficiency. Last evaluated: 2025-09-10. Review status: criteria provided, single submitter. Criteria: ACMG Guidelines, 2015. Collection method: clinical testing. Allele origin: germline.

Labcorp Genetics (formerly Invitae), Labcorp
Classification: Pathogenic. Last evaluated: 2024-06-25. Review status: criteria provided, single submitter. Criteria: Invitae Variant Classification Sherloc (09022015). Collection method: clinical testing. Allele origin: germline.
Comment: This sequence change creates a premature translational stop signal (p.Arg424*) in the C8A gene. It is expected to result in an absent or disrupted protein product. Loss-of-function variants in C8A are known to be pathogenic (PMID: 9759902). This variant is present in population databases (rs140856114, gnomAD 0.04%). This premature translational stop signal has been observed in individual(s) with C8 deficiency (PMID: 975502). This variant is also known as 1407C>T (R394X). ClinVar contains an entry for this variant (Variation ID: 1023205). Algorithms developed to predict the effect of sequence changes on RNA splicing suggest that this variant may disrupt the consensus splice site. For these reasons, this variant has been classified as Pathogenic.

OMIM
Classification: Pathogenic for COMPLEMENT C8 DEFICIENCY, TYPE I. Last evaluated: 1998-10-01. Review status: no assertion criteria provided. Collection method: literature only. Allele origin: germline. Not counted in ClinVar's aggregate classification.

Literature cited by the submitters: PubMed 9759902 (cited by Labcorp Genetics (formerly Invitae), Labcorp and OMIM); PubMed 975502 (cited by Labcorp Genetics (formerly Invitae), Labcorp).